The following is an entry in ClinVar:

NM_001267550.2(TTN):c.68286_68289dup (p.Trp22764fs)

Genes: TTN (titin; minus strand), TTN-AS1 (TTN antisense RNA 1; plus strand), LOC126806423 (CDK7 strongly-dependent group 2 enhancer GRCh37_chr2:179443309-179444508; plus strand). Cytogenetic location: 2q31.2.
Variant type: Duplication.
Coding change: c.68286_68289dup on transcript NM_001267550.2 (MANE Select); coding-DNA positions 68286 to 68289, 4 bases duplicated (AACT; older notation c.68286_68289dupAACT).
Protein change: p.Trp22764fs; shifts the reading frame from tryptophan 22764.
Molecular consequence: frameshift variant.
Genome position (GRCh38, 1-based): chr2:178,578,651-178,578,654, AGTT duplicated on the plus strand (AACT on the coding strand, the reverse complement: TTN is on the minus strand); duplicating any 4 consecutive bases within chr2:178,578,651-178,578,656 gives the same sequence; the c. name uses the placement nearest the transcript's 3' end. VCF-style (leftmost placement, unchanged base first): chr2-178578650-A-AAGTT. GRCh37 (hg19) VCF-style: chr2-179443377-A-AAGTT.
Other names: c.41091_41094dup, p.Trp13699fs (NM_003319.4); c.60582_60585dup, p.Trp20196fs (NM_133378.4); c.41466_41469dup, p.Trp13824fs (NM_133432.3); c.41667_41670dup, p.Trp13891fs (NM_133437.4); c.63363_63366dup, p.Trp21123fs (NM_001256850.1); short protein forms W13699fs, W13824fs, W20196fs, W21123fs, W13891fs, W22764fs.
Identifiers: ClinVar variation 1455326 (VCV001455326.7), dbSNP rs2154174801, ClinGen allele CA2524829194.

ClinVar aggregate classification (germline): Pathogenic. Review status: criteria provided, multiple submitters, no conflicts (2 of 4 stars). 2 submissions from 2 submitters: Pathogenic (2). Last evaluated 2022-04-14.

Conditions:
Dilated cardiomyopathy 1G (CMD1G). Identifiers: Orphanet 154, MedGen C1858763, MONDO:0011400, OMIM 604145.
Autosomal recessive limb-girdle muscular dystrophy type 2J (LGMDR10). Also called: MUSCULAR DYSTROPHY, LIMB-GIRDLE, AUTOSOMAL RECESSIVE 10; Limb-girdle muscular dystrophy, type 2J. Identifiers: Orphanet 140922, MedGen C1837342, MONDO:0012127, OMIM 608807.

Submissions (2):

GeneDx
Classification: Pathogenic. Last evaluated: 2022-04-14. Review status: criteria provided, single submitter. Criteria: GeneDx Variant Classification Process June 2021. Collection method: clinical testing. Allele origin: germline. Affected: yes.
Comment: Has not been previously published as pathogenic or benign to our knowledge; Not observed at significant frequency in large population cohorts (gnomAD); Frameshift variant predicted to result in protein truncation or nonsense mediated decay in a gene for which loss of function is a known mechanism of disease; Located in the A-band region of titin, where the majority of truncating pathogenic variants associated with DCM have been reported (Herman et al., 2012); Reported in ClinVar as a pathogenic variant (ClinVar Variant ID# 1455326); reported by another clinical laboratory in individual(s) with clinical features of dilated cardiomyopathy, including at least one individual in which the variant was observed to be de novo (Clinvar Accession ID# SCV002232736.1); This variant is associated with the following publications: (PMID: 22335739)

Labcorp Genetics (formerly Invitae), Labcorp
Classification: Pathogenic for Dilated cardiomyopathy 1G; Autosomal recessive limb-girdle muscular dystrophy type 2J. Last evaluated: 2022-02-10. Review status: criteria provided, single submitter. Criteria: Invitae Variant Classification Sherloc (09022015). Collection method: clinical testing. Allele origin: germline.
Comment: For these reasons, this variant has been classified as Pathogenic. This variant is located in the A band of TTN (PMID: 25589632). Truncating variants in this region are significantly overrepresented in patients affected with dilated cardiomyopathy (PMID: 25589632). Truncating variants in this region have also been reported in individuals affected with autosomal recessive centronuclear myopathy (PMID: 23975875). This premature translational stop signal has been observed in individual(s) with clinical features of dilated cardiomyopathy (Invitae). In at least one individual the variant was observed to be de novo. This variant is not present in population databases (gnomAD no frequency). This sequence change creates a premature translational stop signal (p.Trp22764Asnfs*4) in the TTN gene. While this is not anticipated to result in nonsense mediated decay, it is expected to create a truncated TTN protein.

Literature cited by the submitters: PubMed 25589632 (cited by Labcorp Genetics (formerly Invitae), Labcorp); PubMed 23975875 (cited by Labcorp Genetics (formerly Invitae), Labcorp).